The following is an entry in ClinVar:

NM_000294.3(PHKG2):c.116G>A (p.Arg39His)

Gene: PHKG2 (phosphorylase kinase catalytic subunit gamma 2; plus strand). Cytogenetic location: 16p11.2.
Variant type: single nucleotide variant.
Coding change: c.116G>A on transcript NM_000294.3 (MANE Select); coding-DNA position 116, G replaced by A.
Protein change: p.Arg39His; replaces arginine 39 with histidine.
Molecular consequence: missense variant.
Genome position (GRCh38, 1-based): chr16:30,751,126, G>A. VCF-style: chr16-30751126-G-A. GRCh37 (hg19) VCF-style: chr16-30762447-G-A.
Other names: c.116G>A, p.Arg39His (NM_001172432.2); short protein forms R39H.
Identifiers: ClinVar variation 2143166 (VCV002143166.1), dbSNP rs373732367, ClinGen allele CA8013037.

ClinVar aggregate classification (germline): Uncertain significance (1 of 4 stars; one submission).

Conditions:
Glycogen storage disease IXc (GSD9C). Also called: GSD IXc. Identifiers: Orphanet 264580, MedGen C2751643, MONDO:0013091, OMIM 613027.

Allele frequency attached by ClinVar (database versions not stated): gnomAD 0.00001; TOPMed 0.00001; ExAC 0.00005.
gnomAD v4.1: 16 of 1,613,586 alleles (0.00099%); highest among the groups gnomAD compares: Middle Eastern, 0.016%; no homozygotes.

Submission:

Labcorp Genetics (formerly Invitae), Labcorp
Classification: Uncertain significance for Glycogen storage disease IXc. Last evaluated: 2022-06-15. Review status: criteria provided, single submitter. Criteria: Invitae Variant Classification Sherloc (09022015). Collection method: clinical testing. Allele origin: germline.
Comment: This sequence change replaces arginine, which is basic and polar, with histidine, which is basic and polar, at codon 39 of the PHKG2 protein (p.Arg39His). This variant is present in population databases (rs373732367, gnomAD 0.006%). This variant has not been reported in the literature in individuals affected with PHKG2-related conditions. Algorithms developed to predict the effect of missense changes on protein structure and function are either unavailable or do not agree on the potential impact of this missense change (SIFT: "Deleterious"; PolyPhen-2: "Probably Damaging"; Align-GVGD: "Class C0"). In summary, the available evidence is currently insufficient to determine the role of this variant in disease. Therefore, it has been classified as a Variant of Uncertain Significance.